The following is an entry in ClinVar:

ClinVar aggregate classification (germline): Uncertain significance (1 of 4 stars; one submission).

Conditions:
Myopathy, proximal, and ophthalmoplegia (CMYO6). Also called: MYOPATHY WITH CONGENITAL JOINT CONTRACTURES, OPHTHALMOPLEGIA, AND RIMMED VACUOLES; INCLUSION BODY MYOPATHY 3, AUTOSOMAL DOMINANT; CONGENITAL MYOPATHY 6 WITH OPHTHALMOPLEGIA. Identifiers: Orphanet 363677, Orphanet 79091, MedGen C1854106, MONDO:0011577, OMIM 605637.

Submission:

Labcorp Genetics (formerly Invitae), Labcorp
Classification: Uncertain significance for Myopathy, proximal, and ophthalmoplegia. Last evaluated: 2022-08-24. Review status: criteria provided, single submitter. Criteria: Invitae Variant Classification Sherloc (09022015). Collection method: clinical testing. Allele origin: germline.
Comment: In summary, the available evidence is currently insufficient to determine the role of this variant in disease. Therefore, it has been classified as a Variant of Uncertain Significance. Experimental studies and prediction algorithms are not available or were not evaluated, and the functional significance of this variant is currently unknown. This variant has not been reported in the literature in individuals affected with MYH2-related conditions. This variant is a gross deletion of the genomic region encompassing exon(s) 23-40 of the MYH2 gene, which includes the termination codon. This deletion extends beyond the assayed region for this gene and therefore may encompass additional genes. While this deletion is not anticipated to lead to nonsense mediated decay, it is expected to alter mRNA translation or result in a truncated protein product.

NC_000017.10:g.(?_10424597)_(10433411_?)del

Gene: MYH2 (myosin heavy chain 2; minus strand). Cytogenetic location: 17p13.1.
Variant type: Deletion.
Identifiers: ClinVar variation 2426321 (VCV002426321.8).